The following is an entry in ClinVar:

ClinVar aggregate classification (germline): Uncertain significance (1 of 4 stars; one submission).

Allele frequency attached by ClinVar (database versions not stated): ExAC 0.00001; gnomAD exomes below 0.00001; gnomAD 0.00002; TOPMed 0.00002.
gnomAD v4.1: 5 of 1,613,986 alleles (0.00031%); highest among the groups gnomAD compares: African/African-American, 0.0013%; no homozygotes.

Submission:

Labcorp Genetics (formerly Invitae), Labcorp
Classification: Uncertain significance. Last evaluated: 2021-09-17. Review status: criteria provided, single submitter. Criteria: Invitae Variant Classification Sherloc (09022015). Collection method: clinical testing. Allele origin: germline.
Comment: This sequence change replaces isoleucine with leucine at codon 807 of the HPS3 protein (p.Ile807Leu). The isoleucine residue is weakly conserved and there is a small physicochemical difference between isoleucine and leucine. This variant is present in population databases (rs751525171, ExAC 0.001%). This variant has not been reported in the literature in individuals with HPS3-related conditions. Algorithms developed to predict the effect of missense changes on protein structure and function (SIFT, PolyPhen-2, Align-GVGD) all suggest that this variant is likely to be tolerated, but these predictions have not been confirmed by published functional studies and their clinical significance is uncertain. In summary, the available evidence is currently insufficient to determine the role of this variant in disease. Therefore, it has been classified as a Variant of Uncertain Significance.

NM_032383.5(HPS3):c.2419A>C (p.Ile807Leu)

Genes: CP (ceruloplasmin; minus strand), HPS3 (HPS3 biogenesis of lysosomal organelles complex 2 subunit 1; plus strand). Cytogenetic location: 3q24.
Variant type: single nucleotide variant.
Coding change: c.2419A>C on transcript NM_032383.5 (MANE Select); coding-DNA position 2419, A replaced by C.
Protein change: p.Ile807Leu; replaces isoleucine 807 with leucine.
Molecular consequence: missense variant. On other transcripts: non-coding transcript variant (1).
Genome position (GRCh38, 1-based): chr3:149,162,816, A>C. VCF-style: chr3-149162816-A-C. GRCh37 (hg19) VCF-style: chr3-148880603-A-C.
Other names: c.1924A>C, p.Ile642Leu (NM_001308258.2); short protein forms I642L, I807L.
Identifiers: ClinVar variation 1385691 (VCV001385691.5), dbSNP rs751525171, ClinGen allele CA2660343.